The following is an entry in ClinVar:

NM_000155.4(GALT):c.821-23dup

Gene: GALT (galactose-1-phosphate uridylyltransferase; plus strand). Cytogenetic location: 9p13.3.
Variant type: Duplication.
Coding change: c.821-23dup on transcript NM_000155.4 (MANE Select); 23 bases into the intron before coding-DNA position 821, one base duplicated (T; older notation c.821-23dupT).
Molecular consequence: intron variant.
Genome position (GRCh38, 1-based): chr9:34,648,975, T duplicated. VCF-style (leftmost placement, unchanged base first): chr9-34648974-C-CT. GRCh37 (hg19) VCF-style: chr9-34648971-C-CT.
Other names: NM_001258332.2:c.494-23dup; c.494-23dup (NM_001258332.2).
Identifiers: ClinVar variation 5021470 (VCV005021470.1).

ClinVar aggregate classification (germline): Uncertain significance (3 of 4 stars; one submission).

Conditions:
Galactosemia. Also called: Galactose intolerance. Identifiers: Orphanet 352, MedGen C0016952, MONDO:0018116, HP:0004919. Disease mechanism: loss of function.

Submission:

Clingen Galactosemia Variant Curation Expert Panel, ClinGen
Classification: Uncertain significance for Galactosemia. Last evaluated: 2026-06-23. Review status: reviewed by expert panel. Criteria: ClinGen Galactosemia ACMG Specifications GALT V1.1. Collection method: curation. Allele origin: germline. Inheritance: Autosomal recessive inheritance.
Comment: The c.821-23dup (NM_000155.4) variant in GALT is an intronic variant that occurs in intron 8 and involves the duplication of a T nucleotide. The filtering allele frequency is 0.000004430 for African/African American chromosomes by gnomAD v4.1.0, which is lower than the ClinGen Galactosemia threshold (≤0.0005) for PM2_Supporting, and therefore meets this criterion (PM2_Supporting). The computational splicing predictor SpliceAI gives a score of 0.17 for acceptor loss, which does not meet ClinGen Galactosemia threshold for either PP3 or BP4. In summary, this variant meets the criteria to be classified as uncertain significance for galactosemia based on the ACMG/AMP criteria applied, as specified by the ClinGen Galactosemia VCEP: PM2_Supporting (GALT specifications v1.0.0).